The following is an entry in ClinVar:

NM_199420.4(POLQ):c.2897C>A (p.Thr966Lys)

Gene: POLQ (DNA polymerase theta; minus strand). Cytogenetic location: 3q13.33.
Variant type: single nucleotide variant.
Coding change: c.2897C>A on transcript NM_199420.4 (MANE Select); coding-DNA position 2897, C replaced by A.
Protein change: p.Thr966Lys; replaces threonine 966 with lysine.
Molecular consequence: missense variant.
Genome position (GRCh38, 1-based): chr3:121,490,034, G>T on the plus strand (C>A on the coding strand, the complement: POLQ is on the minus strand). VCF-style: chr3-121490034-G-T. GRCh37 (hg19) VCF-style: chr3-121208881-G-T.
Other names: short protein forms T966K.
Identifiers: ClinVar variation 1797359 (VCV001797359.2), dbSNP rs1193836031, ClinGen allele CA354104038.
Genomic context (GRCh38, chr3:121,490,034, plus strand): 5'-AAAATGGAACATGTCTGATGTTCTTGATTCCCATTCTGGAAATTACAATTAAAGGAACTT[G>T]TATGCTCTCTACTTTTATTTAAGTCTTGCACTATATTTGGTGAATGCTTAATATAAGAAT-3'
Protein context (NP_955452.3, residues 956-976): VQDLNKSREH[Thr966Lys]SSFNCNFQNG

ClinVar aggregate classification (germline): Uncertain significance (1 of 4 stars; one submission).

gnomAD v4.1: 1 of 1,574,678 alleles (0.000064%); highest among the groups gnomAD compares: Non-Finnish European, 0.000086%; no homozygotes.

Submission:

Ambry Genetics
Classification: Uncertain significance. Last evaluated: 2021-07-04. Review status: criteria provided, single submitter. Criteria: Ambry Variant Classification Scheme 2023. Collection method: clinical testing. Allele origin: germline.
Comment: The p.T966K variant (also known as c.2897C>A), located in coding exon 16 of the POLQ gene, results from a C to A substitution at nucleotide position 2897. The threonine at codon 966 is replaced by lysine, an amino acid with similar properties. This amino acid position is conserved. In addition, this alteration is predicted to be tolerated by in silico analysis. Since supporting evidence is limited at this time, the clinical significance of this alteration remains unclear.